The following is an entry in ClinVar:

NM_000836.4(GRIN2D):c.1066C>T (p.Arg356Cys)

Gene: GRIN2D (glutamate ionotropic receptor NMDA type subunit 2D; plus strand). Cytogenetic location: 19q13.33.
Variant type: single nucleotide variant.
Coding change: c.1066C>T on transcript NM_000836.4 (MANE Select); coding-DNA position 1066, C replaced by T.
Protein change: p.Arg356Cys; replaces arginine 356 with cysteine.
Molecular consequence: missense variant.
Genome position (GRCh38, 1-based): chr19:48,405,334, C>T. VCF-style: chr19-48405334-C-T. GRCh37 (hg19) VCF-style: chr19-48908591-C-T.
Other names: short protein forms R356C.
Identifiers: ClinVar variation 1708566 (VCV001708566.5), dbSNP rs750777650, ClinGen allele CA9550447.

ClinVar aggregate classification (germline): Uncertain significance. Review status: criteria provided, multiple submitters, no conflicts (2 of 4 stars). 2 submissions from 2 submitters: Uncertain significance (2). Last evaluated 2025-03-19.

Allele frequency attached by ClinVar (database versions not stated): TOPMed below 0.00001; ExAC 0.00001; gnomAD 0.00001.
gnomAD v4.1: 3 of 1,589,388 alleles (0.00019%); highest among the groups gnomAD compares: Admixed American, 0.0017%; no homozygotes.

Submissions (2):

Labcorp Genetics (formerly Invitae), Labcorp
Classification: Uncertain significance. Last evaluated: 2025-03-19. Review status: criteria provided, single submitter. Criteria: Invitae Variant Classification Sherloc (09022015). Collection method: clinical testing. Allele origin: germline.
Comment: This sequence change replaces arginine, which is basic and polar, with cysteine, which is neutral and slightly polar, at codon 356 of the GRIN2D protein (p.Arg356Cys). The frequency data for this variant in the population databases is considered unreliable, as metrics indicate poor data quality at this position in the gnomAD database. This variant has not been reported in the literature in individuals affected with GRIN2D-related conditions. ClinVar contains an entry for this variant (Variation ID: 1708566). Invitae Evidence Modeling of protein sequence and biophysical properties (such as structural, functional, and spatial information, amino acid conservation, physicochemical variation, residue mobility, and thermodynamic stability) indicates that this missense variant is not expected to disrupt GRIN2D protein function with a negative predictive value of 80%. In summary, the available evidence is currently insufficient to determine the role of this variant in disease. Therefore, it has been classified as a Variant of Uncertain Significance.

GeneDx
Classification: Uncertain significance. Last evaluated: 2022-04-10. Review status: criteria provided, single submitter. Criteria: GeneDx Variant Classification Process June 2021. Collection method: clinical testing. Allele origin: germline. Affected: yes.
Comment: Not observed at significant frequency in large population cohorts (gnomAD); In silico analysis supports that this missense variant has a deleterious effect on protein structure/function; Has not been previously published as pathogenic or benign to our knowledge